The following is an entry in ClinVar:

NM_002471.4(MYH6):c.2114G>A (p.Arg705His)

Gene: MYH6 (myosin heavy chain 6; minus strand). Cytogenetic location: 14q11.2.
Variant type: single nucleotide variant.
Coding change: c.2114G>A on transcript NM_002471.4 (MANE Select); coding-DNA position 2114, G replaced by A.
Protein change: p.Arg705His; replaces arginine 705 with histidine.
Molecular consequence: missense variant.
Genome position (GRCh38, 1-based): chr14:23,397,017, C>T on the plus strand (G>A on the coding strand, the complement: MYH6 is on the minus strand). VCF-style: chr14-23397017-C-T. GRCh37 (hg19) VCF-style: chr14-23866226-C-T.
Other names: short protein forms R705H.
Identifiers: ClinVar variation 450730 (VCV000450730.7), dbSNP rs754654593, ClinGen allele CA7115587.

ClinVar aggregate classification (germline): Uncertain significance. Review status: criteria provided, multiple submitters, no conflicts (2 of 4 stars). 3 submissions from 3 submitters: Uncertain significance (3). Last evaluated 2025-03-13.

Conditions:
Cardiovascular phenotype. Identifiers: MedGen CN230736.
Hypertrophic cardiomyopathy 14. Identifiers: MedGen C2750467, MONDO:0013197, OMIM 613251.

Allele frequency attached by ClinVar (database versions not stated): gnomAD exomes below 0.00001; ExAC 0.00001; TOPMed 0.00002.
gnomAD v4.1: 7 of 1,613,946 alleles (0.00043%); highest among the groups gnomAD compares: South Asian, 0.0011%; no homozygotes.

Submissions (3):

Ambry Genetics
Classification: Uncertain significance for Cardiovascular phenotype. Last evaluated: 2025-03-13. Review status: criteria provided, single submitter. Criteria: Ambry Variant Classification Scheme 2023. Collection method: clinical testing. Allele origin: germline.
Comment: The p.R705H variant (also known as c.2114G>A), located in coding exon 16 of the MYH6 gene, results from a G to A substitution at nucleotide position 2114. The arginine at codon 705 is replaced by histidine, an amino acid with highly similar properties. This amino acid position is highly conserved in available vertebrate species. In addition, this alteration is predicted to be deleterious by in silico analysis. Since supporting evidence is limited at this time, the clinical significance of this alteration remains unclear.

Labcorp Genetics (formerly Invitae), Labcorp
Classification: Uncertain significance for Hypertrophic cardiomyopathy 14. Last evaluated: 2025-03-12. Review status: criteria provided, single submitter. Criteria: Invitae Variant Classification Sherloc (09022015). Collection method: clinical testing. Allele origin: germline.
Comment: This sequence change replaces arginine, which is basic and polar, with histidine, which is basic and polar, at codon 705 of the MYH6 protein (p.Arg705His). This variant is present in population databases (rs754654593, gnomAD 0.0009%). This missense change has been observed in individual(s) with clinical features of MYH6-related conditions (PMID: 38254962). ClinVar contains an entry for this variant (Variation ID: 450730). Invitae Evidence Modeling of protein sequence and biophysical properties (such as structural, functional, and spatial information, amino acid conservation, physicochemical variation, residue mobility, and thermodynamic stability) indicates that this missense variant is expected to disrupt MYH6 protein function with a positive predictive value of 80%. In summary, the available evidence is currently insufficient to determine the role of this variant in disease. Therefore, it has been classified as a Variant of Uncertain Significance.

GeneDx
Classification: Uncertain significance. Last evaluated: 2017-07-18. Review status: criteria provided, single submitter. Criteria: GeneDx Variant Classification (06012015). Collection method: clinical testing. Allele origin: germline. Affected: yes.
Comment: A variant of uncertain significance has been identified in the MYH6 gene. The R705H variant has not been published as pathogenic or been reported as benign to our knowledge. This variant is not observed in large population cohorts (Lek et al., 2016; 1000 Genomes Consortium et al., 2015; Exome Variant Server). This substitution occurs at a position that is conserved across species. In silico analysis predicts this variant is probably damaging to the protein structure/function. However, the R705H variant is a conservative amino acid substitution, which is not likely to impact secondary protein structure as these residues share similar properties.

Literature cited by the submitters: PubMed 38254962 (cited by Labcorp Genetics (formerly Invitae), Labcorp).